The following is an entry in ClinVar:

NM_198586.3(NHLRC1):c.759A>G (p.Arg253=)

Gene: NHLRC1 (NHL repeat containing E3 ubiquitin protein ligase 1; minus strand). Cytogenetic location: 6p22.3.
Variant type: single nucleotide variant.
Coding change: c.759A>G on transcript NM_198586.3 (MANE Select); coding-DNA position 759, A replaced by G.
Protein change: p.Arg253=; no amino-acid change (arginine 253 retained).
Molecular consequence: synonymous variant.
Genome position (GRCh38, 1-based): chr6:18,121,848, T>C on the plus strand (A>G on the coding strand, the complement: NHLRC1 is on the minus strand). VCF-style: chr6-18121848-T-C. GRCh37 (hg19) VCF-style: chr6-18122079-T-C.
Identifiers: ClinVar variation 2026154 (VCV002026154.4), dbSNP rs2533896372, ClinGen allele CA448957890.

ClinVar aggregate classification (germline): Uncertain significance (1 of 4 stars; one submission).

Conditions:
Lafora disease. Also called: Epilepsy progressive myoclonic 2; Progressive Myoclonus Epilepsy, Lafora Type. Identifiers: Orphanet 501, MedGen C0751783, MONDO:0009697.

Submission:

Labcorp Genetics (formerly Invitae), Labcorp
Classification: Uncertain significance for Lafora disease. Last evaluated: 2022-10-22. Review status: criteria provided, single submitter. Criteria: Invitae Variant Classification Sherloc (09022015). Collection method: clinical testing. Allele origin: germline.
Comment: In summary, the available evidence is currently insufficient to determine the role of this variant in disease. Therefore, it has been classified as a Variant of Uncertain Significance. This variant has not been reported in the literature in individuals affected with NHLRC1-related conditions. This variant is not present in population databases (gnomAD no frequency). This sequence change affects codon 253 of the NHLRC1 mRNA. It is a 'silent' change, meaning that it does not change the encoded amino acid sequence of the NHLRC1 protein.